The following is an entry in ClinVar:

ClinVar aggregate classification (germline): Likely pathogenic. Review status: criteria provided, multiple submitters, no conflicts (2 of 4 stars). 2 submissions from 2 submitters: Likely pathogenic (2). Last evaluated 2025-09-21.

Conditions:
Dilated cardiomyopathy 1S (CMD1S). Identifiers: Orphanet 154, Orphanet 54260, MedGen C1834481, MONDO:0013262, OMIM 613426.

Submissions (2):

Human Genetics Bochum, Ruhr University Bochum
Classification: Likely pathogenic for Dilated cardiomyopathy 1S. Last evaluated: 2025-09-21. Review status: criteria provided, single submitter. Criteria: ACMG Guidelines, 2015. Collection method: clinical testing. Allele origin: germline. Affected: yes.
Comment: ACMG criteria used to clasify this variant: PVS1_STR, PM2_SUP, PP1

Institute of Human Genetics Munich, TUM University Hospital
Classification: Likely pathogenic for Dilated cardiomyopathy 1S. Last evaluated: 2023-01-04. Review status: criteria provided, single submitter. Criteria: Classification criteria August 2017. Collection method: clinical testing. Allele origin: germline, paternal. Inheritance: Autosomal dominant inheritance. Affected: yes. Observed: 2 variant alleles.

NM_000257.4(MYH7):c.3973-2A>C

Gene: MYH7 (myosin heavy chain 7; minus strand). Cytogenetic location: 14q11.2.
Variant type: single nucleotide variant.
Coding change: c.3973-2A>C on transcript NM_000257.4 (MANE Select); the canonical splice acceptor site of the intron before coding-DNA position 3973, A replaced by C.
Molecular consequence: splice acceptor variant.
Genome position (GRCh38, 1-based): chr14:23,418,408, T>G on the plus strand (A>C on the coding strand, the complement: MYH7 is on the minus strand). VCF-style: chr14-23418408-T-G. GRCh37 (hg19) VCF-style: chr14-23887617-T-G.
Other names: c.3973-2A>C (NM_001407004.1).
Identifiers: ClinVar variation 4687963 (VCV004687963.2).